The following is an entry in ClinVar:

NM_001367624.2(ZNF469):c.8959A>G (p.Ile2987Val)

Gene: ZNF469 (zinc finger protein 469; plus strand). Cytogenetic location: 16q24.2.
Variant type: single nucleotide variant.
Coding change: c.8959A>G on transcript NM_001367624.2 (MANE Select); coding-DNA position 8959, A replaced by G.
Protein change: p.Ile2987Val; replaces isoleucine 2987 with valine.
Molecular consequence: missense variant.
Genome position (GRCh38, 1-based): chr16:88,436,429, A>G. VCF-style: chr16-88436429-A-G. GRCh37 (hg19) VCF-style: chr16-88502837-A-G.
Other names: NM_001127464.1:c.8875A>G; NM_001127464.2:c.8875A>G; short protein forms I2987V.
Identifiers: ClinVar variation 1764950 (VCV001764950.4), dbSNP rs1186801930, ClinGen allele CA397119908.

ClinVar aggregate classification (germline): Uncertain significance. Review status: criteria provided, multiple submitters, no conflicts (2 of 4 stars). 3 submissions from 3 submitters: Uncertain significance (3). Last evaluated 2026-06-24.

Conditions:
ZNF469-related disorder. Also called: ZNF469-related condition.
Cardiovascular phenotype. Identifiers: MedGen CN230736.

Allele frequency attached by ClinVar (database versions not stated): gnomAD exomes below 0.00001; TOPMed 0.00001; gnomAD 0.00003.
gnomAD v4.1: 11 of 1,548,612 alleles (0.00071%); highest among the groups gnomAD compares: East Asian, 0.022%; no homozygotes.

Submissions (3):

PreventionGenetics, part of Exact Sciences
Classification: Uncertain significance for ZNF469-related condition. Last evaluated: 2026-06-24. Review status: criteria provided, single submitter. Criteria: ACMG Guidelines, 2015. Collection method: clinical testing. Allele origin: germline.
Comment: The ZNF469 c.8875A>G variant is predicted to result in the amino acid substitution p.Ile2959Val. To our knowledge, this variant has not been reported in the literature. This variant is present in 0.041% of alleles in individuals of East Asian descent in gnomAD. At this time, the clinical significance of this variant is uncertain due to the absence of conclusive functional and genetic evidence.

Women's Health and Genetics/Laboratory Corporation of America, LabCorp
Classification: Uncertain significance. Last evaluated: 2026-01-20. Review status: criteria provided, single submitter. Criteria: LabCorp Variant Classification Summary - May 2015. Collection method: clinical testing. Allele origin: germline.
Comment: Variant summary: ZNF469 c.8959A>G (p.Ile2987Val) results in a conservative amino acid change in the encoded protein sequence. Algorithms developed to predict the effect of missense changes on protein structure and function are either unavailable or do not agree on the potential impact of this missense change. The variant allele was found at a frequency of 2e-05 in 149278 control chromosomes. The available data on variant occurrences in the general population are insufficient to allow any conclusion about variant significance. To our knowledge, no occurrence of c.8959A>G in individuals affected with ZNF469-related conditions and no experimental evidence demonstrating its impact on protein function have been reported. ClinVar contains an entry for this variant (Variation ID: 1764950). Based on the evidence outlined above, the variant was classified as uncertain significance.

Ambry Genetics
Classification: Uncertain significance for Cardiovascular phenotype. Last evaluated: 2022-07-06. Review status: criteria provided, single submitter. Criteria: Ambry Variant Classification Scheme 2023. Collection method: clinical testing. Allele origin: germline.
Comment: The p.I2959V variant (also known as c.8875A>G), located in coding exon 2 of the ZNF469 gene, results from an A to G substitution at nucleotide position 8875. The isoleucine at codon 2959 is replaced by valine, an amino acid with highly similar properties. This amino acid position is conserved. In addition, this alteration is predicted to be tolerated by in silico analysis. Since supporting evidence is limited at this time, the clinical significance of this alteration remains unclear.